The following is an entry in ClinVar:

ClinVar aggregate classification (germline): Conflicting classifications of pathogenicity. Review status: criteria provided, conflicting classifications (1 of 4 stars). 3 submissions from 3 submitters: Uncertain significance (1); Likely benign (1). 1 of the submissions does not count toward it. Last evaluated 2025-01-08.

Conditions:
Autosomal recessive osteopetrosis 1. Also called: ALBERS-SCHONBERG DISEASE, AUTOSOMAL RECESSIVE; TCIRG1-Related Osteopetrosis; TCIRG1-Related Autosomal Recessive Osteopetrosis. Identifiers: Orphanet 667, MedGen C1850127, MONDO:0009815, OMIM 259700.
Inborn genetic diseases. Identifiers: MedGen C0950123, MeSH D030342.

Allele frequency attached by ClinVar (database versions not stated): gnomAD 0.00007; gnomAD exomes 0.00008; TOPMed 0.00009; ExAC 0.00014; ESP Exome Variant Server 0.00023.

Submissions (3):

Ambry Genetics
Classification: Likely benign for Inborn genetic diseases. Last evaluated: 2025-01-08. Review status: criteria provided, single submitter. Criteria: Ambry Variant Classification Scheme 2023. Collection method: clinical testing. Allele origin: germline.

Labcorp Genetics (formerly Invitae), Labcorp
Classification: Uncertain significance. Last evaluated: 2024-12-23. Review status: criteria provided, single submitter. Criteria: Invitae Variant Classification Sherloc (09022015). Collection method: clinical testing. Allele origin: germline.
Comment: This sequence change replaces arginine, which is basic and polar, with glutamine, which is neutral and polar, at codon 337 of the TCIRG1 protein (p.Arg337Gln). This variant is present in population databases (rs139263189, gnomAD 0.02%). This variant has not been reported in the literature in individuals affected with TCIRG1-related conditions. ClinVar contains an entry for this variant (Variation ID: 991166). Invitae Evidence Modeling of protein sequence and biophysical properties (such as structural, functional, and spatial information, amino acid conservation, physicochemical variation, residue mobility, and thermodynamic stability) indicates that this missense variant is not expected to disrupt TCIRG1 protein function with a negative predictive value of 80%. In summary, the available evidence is currently insufficient to determine the role of this variant in disease. Therefore, it has been classified as a Variant of Uncertain Significance.

Natera, Inc.
Classification: Uncertain significance for Infantile malignant osteopetrosis. Last evaluated: 2020-04-15. Review status: no assertion criteria provided. Collection method: clinical testing. Allele origin: germline. Not counted in ClinVar's aggregate classification.

NM_006019.4(TCIRG1):c.1010G>A (p.Arg337Gln)

Gene: TCIRG1 (T cell immune regulator 1, ATPase H+ transporting V0 subunit a3; plus strand). Cytogenetic location: 11q13.2.
Variant type: single nucleotide variant.
Coding change: c.1010G>A on transcript NM_006019.4 (MANE Select); coding-DNA position 1010, G replaced by A.
Protein change: p.Arg337Gln; replaces arginine 337 with glutamine.
Molecular consequence: missense variant.
Genome position (GRCh38, 1-based): chr11:68,044,334, G>A. VCF-style: chr11-68044334-G-A. GRCh37 (hg19) VCF-style: chr11-67811801-G-A.
Other names: c.1010G>A (NM_006019.3); c.116G>A, p.Arg39Gln (NM_001351059.2); c.362G>A, p.Arg121Gln (NM_006053.4); short protein forms R121Q, R337Q, R39Q.
Identifiers: ClinVar variation 991166 (VCV000991166.7), dbSNP rs139263189, ClinGen allele CA6146867.